The following is an entry in ClinVar:

NM_001005273.3(CHD3):c.632C>T (p.Ala211Val)

Gene: CHD3 (chromodomain helicase DNA binding protein 3; plus strand). Cytogenetic location: 17p13.1.
Variant type: single nucleotide variant.
Coding change: c.632C>T on transcript NM_001005273.3 (MANE Select); coding-DNA position 632, C replaced by T.
Protein change: p.Ala211Val; replaces alanine 211 with valine.
Molecular consequence: missense variant.
Genome position (GRCh38, 1-based): chr17:7,893,408, C>T. VCF-style: chr17-7893408-C-T. GRCh37 (hg19) VCF-style: chr17-7796726-C-T.
Other names: c.809C>T, p.Ala270Val (NM_001005271.3, NM_001437504.1, NM_001437507.1 and 2 more transcripts); c.632C>T, p.Ala211Val (NM_005852.4); short protein forms A211V, A270V.
Identifiers: ClinVar variation 4614503 (VCV004614503.2).

ClinVar aggregate classification (germline): Conflicting classifications of pathogenicity. Review status: criteria provided, conflicting classifications (1 of 4 stars). 2 submissions from 2 submitters: Uncertain significance (1); Likely benign (1). Last evaluated 2026-03-12.

Conditions:
Inborn genetic diseases. Identifiers: MedGen C0950123, MeSH D030342.

gnomAD v4.1: 78 of 1,611,332 alleles (0.0048%); highest among the groups gnomAD compares: Non-Finnish European, 0.006%; no homozygotes.

Submissions (2):

Women's Health and Genetics/Laboratory Corporation of America, LabCorp
Classification: Uncertain significance. Last evaluated: 2026-03-12. Review status: criteria provided, single submitter. Criteria: LabCorp Variant Classification Summary - May 2015. Collection method: clinical testing. Allele origin: germline.
Comment: Variant summary: CHD3 c.632C>T (p.Ala211Val) results in a non-conservative amino acid change in the encoded protein sequence. Algorithms developed to predict the effect of missense changes on protein structure and function all suggest that this variant is likely to be disruptive. The variant allele was found at a frequency of 2.1e-05 in 241664 control chromosomes. The available data on variant occurrences in the general population are insufficient to allow any conclusion about variant significance. To our knowledge, no occurrence of c.632C>T in individuals affected with CHD3-related conditions and no experimental evidence demonstrating its impact on protein function have been reported. ClinVar contains an entry for this variant (Variation ID: 4614503). Based on the evidence outlined above, the variant was classified as uncertain significance.

Ambry Genetics
Classification: Likely benign for Inborn genetic diseases. Last evaluated: 2025-11-26. Review status: criteria provided, single submitter. Criteria: Ambry Variant Classification Scheme 2023. Collection method: clinical testing. Allele origin: germline.